The following is an entry in ClinVar:

NM_001211.6(BUB1B):c.1562C>G (p.Ser521Cys)

Gene: BUB1B (BUB1 mitotic checkpoint serine/threonine kinase B; plus strand). Cytogenetic location: 15q15.1.
Variant type: single nucleotide variant.
Coding change: c.1562C>G on transcript NM_001211.6 (MANE Select); coding-DNA position 1562, C replaced by G.
Protein change: p.Ser521Cys; replaces serine 521 with cysteine.
Molecular consequence: missense variant.
Genome position (GRCh38, 1-based): chr15:40,200,975, C>G. VCF-style: chr15-40200975-C-G. GRCh37 (hg19) VCF-style: chr15-40493176-C-G.
Other names: short protein forms S521C.
Identifiers: ClinVar variation 3826090 (VCV003826090.1).

ClinVar aggregate classification (germline): Uncertain significance (1 of 4 stars; one submission).

Conditions:
Inborn genetic diseases. Identifiers: MedGen C0950123, MeSH D030342.

gnomAD v4.1: 3 of 1,613,002 alleles (0.00019%); highest among the groups gnomAD compares: African/African-American, 0.0027%; no homozygotes.

Submission:

Ambry Genetics
Classification: Uncertain significance for Inborn genetic diseases. Last evaluated: 2025-01-07. Review status: criteria provided, single submitter. Criteria: Ambry Variant Classification Scheme 2023. Collection method: clinical testing. Allele origin: germline.
Comment: The p.S521C variant (also known as c.1562C>G), located in coding exon 12 of the BUB1B gene, results from a C to G substitution at nucleotide position 1562. The serine at codon 521 is replaced by cysteine, an amino acid with dissimilar properties. This amino acid position is conserved. In addition, this alteration is predicted to be tolerated by in silico analysis. Based on the available evidence, the clinical significance of this variant remains unclear.